The following is an entry in ClinVar:

NM_001558.4(IL10RA):c.457G>A (p.Ala153Thr)

Gene: IL10RA (interleukin 10 receptor subunit alpha; plus strand). Cytogenetic location: 11q23.3.
Variant type: single nucleotide variant.
Coding change: c.457G>A on transcript NM_001558.4 (MANE Select); coding-DNA position 457, G replaced by A.
Protein change: p.Ala153Thr; replaces alanine 153 with threonine.
Molecular consequence: missense variant. On other transcripts: non-coding transcript variant (1).
Genome position (GRCh38, 1-based): chr11:117,993,330, G>A. VCF-style: chr11-117993330-G-A. GRCh37 (hg19) VCF-style: chr11-117864045-G-A.
Other names: short protein forms A153T.
Identifiers: ClinVar variation 848143 (VCV000848143.11), dbSNP rs144476761, ClinGen allele CA6298951.

ClinVar aggregate classification (germline): Uncertain significance. Review status: criteria provided, multiple submitters, no conflicts (2 of 4 stars). 3 submissions from 3 submitters: Uncertain significance (3). Last evaluated 2024-01-23.

Conditions:
Inborn genetic diseases. Identifiers: MedGen C0950123, MeSH D030342.
Inflammatory bowel disease 28. Also called: Inflammatory bowel disease 28, early onset, autosomal recessive. Identifiers: Orphanet 238569, MedGen C2751053, MONDO:0013153, OMIM 613148.

Allele frequency attached by ClinVar (database versions not stated): ExAC 0.00002; gnomAD exomes 0.00002 and 0.00003; gnomAD 0.00004; TOPMed 0.00006; ESP Exome Variant Server 0.00015; 1000 Genomes Project 0.00020; 1000 Genomes Project 30x 0.00031.

Submissions (3):

Ambry Genetics
Classification: Uncertain significance for Inborn genetic diseases. Last evaluated: 2024-01-23. Review status: criteria provided, single submitter. Criteria: Ambry Variant Classification Scheme 2023. Collection method: clinical testing. Allele origin: germline.

Labcorp Genetics (formerly Invitae), Labcorp
Classification: Uncertain significance for Inflammatory bowel disease 28. Last evaluated: 2022-09-08. Review status: criteria provided, single submitter. Criteria: Invitae Variant Classification Sherloc (09022015). Collection method: clinical testing. Allele origin: germline.
Comment: This sequence change replaces alanine, which is neutral and non-polar, with threonine, which is neutral and polar, at codon 153 of the IL10RA protein (p.Ala153Thr). This variant is present in population databases (rs144476761, gnomAD 0.01%). This variant has not been reported in the literature in individuals affected with IL10RA-related conditions. ClinVar contains an entry for this variant (Variation ID: 848143). Advanced modeling of protein sequence and biophysical properties (such as structural, functional, and spatial information, amino acid conservation, physicochemical variation, residue mobility, and thermodynamic stability) performed at Invitae indicates that this missense variant is not expected to disrupt IL10RA protein function. In summary, the available evidence is currently insufficient to determine the role of this variant in disease. Therefore, it has been classified as a Variant of Uncertain Significance.

Illumina Laboratory Services, Illumina
Classification: Uncertain significance for Inflammatory bowel disease 28. Last evaluated: 2018-01-13. Review status: criteria provided, single submitter. Criteria: ICSL Variant Classification Criteria 13 December 2019. Collection method: clinical testing. Allele origin: germline.